The following is an entry in ClinVar:

ClinVar aggregate classification (germline): Uncertain significance (1 of 4 stars; one submission).

Conditions:
Hereditary cancer-predisposing syndrome. Also called: Hereditary Cancer Syndrome; Tumor predisposition; Hereditary neoplastic syndrome; Neoplastic Syndromes, Hereditary. Identifiers: Orphanet 140162, MedGen C0027672, MeSH D009386, MONDO:0015356.
Cardiovascular phenotype. Identifiers: MedGen CN230736.

Submission:

Ambry Genetics
Classification: Uncertain significance for Cardiovascular phenotype; Hereditary cancer-predisposing syndrome. Last evaluated: 2024-12-02. Review status: criteria provided, single submitter. Criteria: Ambry Variant Classification Scheme 2023. Collection method: clinical testing. Allele origin: germline.
Comment: The p.Q756L variant (also known as c.2267A>T), located in coding exon 19 of the NF1 gene, results from an A to T substitution at nucleotide position 2267. The glutamine at codon 756 is replaced by leucine, an amino acid with dissimilar properties. This amino acid position is conserved. In addition, this alteration is predicted to be deleterious by in silico analysis. Based on the available evidence, the clinical significance of this variant remains unclear.

NM_001042492.3(NF1):c.2267A>T (p.Gln756Leu)

Gene: NF1 (neurofibromin 1; plus strand). Cytogenetic location: 17q11.2.
Variant type: single nucleotide variant.
Coding change: c.2267A>T on transcript NM_001042492.3 (MANE Select); coding-DNA position 2267, A replaced by T.
Protein change: p.Gln756Leu; replaces glutamine 756 with leucine.
Molecular consequence: missense variant.
Genome position (GRCh38, 1-based): chr17:31,227,233, A>T. VCF-style: chr17-31227233-A-T. GRCh37 (hg19) VCF-style: chr17-29554251-A-T.
Other names: c.2267A>T, p.Gln756Leu (NM_000267.4); short protein forms Q756L.
Identifiers: ClinVar variation 3404947 (VCV003404947.1).